The following is an entry in ClinVar:

NM_031418.4(ANO3):c.-11G>T

Gene: ANO3 (anoctamin 3; plus strand). Cytogenetic location: 11p14.2.
Variant type: single nucleotide variant.
Coding change: c.-11G>T on transcript NM_031418.4 (MANE Select); 11 bases upstream of the start codon, G replaced by T.
Molecular consequence: 5 prime UTR variant. On other transcripts: intron variant (1).
Genome position (GRCh38, 1-based): chr11:26,332,265, G>T. VCF-style: chr11-26332265-G-T. GRCh37 (hg19) VCF-style: chr11-26353812-G-T.
Other names: c.229+22546G>T (NM_001313726.2).
Identifiers: ClinVar variation 4872927 (VCV004872927.2).
Genomic context (GRCh38, chr11:26,332,265, plus strand): 5'-GAGTCTGGCTACTGTTCCTCCGCCTCCCTCTCGGGCAGCTCCCTAAGCCGGCTGGGACGC[G>T]CAGAGTGAAAATGGTCCACCATTCAGGCTCCATTCAGTCCTTTAAACAGCAAAAAGGTCA-3'

ClinVar aggregate classification (germline): Likely benign (1 of 4 stars; one submission).

gnomAD v4.1: 517 of 1,613,954 alleles (0.032%); highest among the groups gnomAD compares: East Asian, 1.1%; 4 homozygotes.

Submission:

CeGaT Center for Human Genetics Tuebingen
Classification: Likely benign. Last evaluated: 2026-04-01. Review status: criteria provided, single submitter. Criteria: CeGaT Center For Human Genetics Tuebingen Variant Classification Criteria Version 2. Collection method: clinical testing. Allele origin: germline. Affected: yes. Observed: 1 variant allele.
Comment: ANO3: BS1